The following is an entry in ClinVar:

ClinVar aggregate classification (germline): Uncertain significance. Review status: criteria provided, multiple submitters, no conflicts (2 of 4 stars). 2 submissions from 2 submitters: Uncertain significance (2). Last evaluated 2022-10-02.

Conditions:
Rienhoff syndrome. Also called: LOEYS-DIETZ SYNDROME 5. Identifiers: MedGen C3810012, MONDO:0014262, OMIM 615582.

Allele frequency attached by ClinVar (database versions not stated): gnomAD exomes below 0.00001.
gnomAD v4.1: 5 of 1,613,994 alleles (0.00031%); highest among the groups gnomAD compares: Non-Finnish European, 0.00034%; no homozygotes.

Submissions (2):

Labcorp Genetics (formerly Invitae), Labcorp
Classification: Uncertain significance for Rienhoff syndrome. Last evaluated: 2022-10-02. Review status: criteria provided, single submitter. Criteria: Invitae Variant Classification Sherloc (09022015). Collection method: clinical testing. Allele origin: germline.
Comment: This sequence change replaces arginine, which is basic and polar, with threonine, which is neutral and polar, at codon 215 of the TGFB3 protein (p.Arg215Thr). This variant is not present in population databases (gnomAD no frequency). This variant has not been reported in the literature in individuals affected with TGFB3-related conditions. Algorithms developed to predict the effect of missense changes on protein structure and function (SIFT, PolyPhen-2, Align-GVGD) all suggest that this variant is likely to be tolerated. In summary, the available evidence is currently insufficient to determine the role of this variant in disease. Therefore, it has been classified as a Variant of Uncertain Significance.

Blueprint Genetics
Classification: Uncertain significance. Last evaluated: 2020-08-12. Review status: criteria provided, single submitter. Criteria: ACMG Guidelines, 2015. Collection method: clinical testing. Allele origin: germline.

NM_003239.5(TGFB3):c.644G>C (p.Arg215Thr)

Gene: TGFB3 (transforming growth factor beta 3; minus strand). Cytogenetic location: 14q24.3.
Variant type: single nucleotide variant.
Coding change: c.644G>C on transcript NM_003239.5 (MANE Select); coding-DNA position 644, G replaced by C.
Protein change: p.Arg215Thr; replaces arginine 215 with threonine.
Molecular consequence: missense variant.
Genome position (GRCh38, 1-based): chr14:75,971,128, C>G on the plus strand (G>C on the coding strand, the complement: TGFB3 is on the minus strand). VCF-style: chr14-75971128-C-G. GRCh37 (hg19) VCF-style: chr14-76437471-C-G.
Other names: c.644G>C, p.Arg215Thr (NM_001329938.2, NM_001329939.2); short protein forms R215T.
Identifiers: ClinVar variation 2141903 (VCV002141903.2), dbSNP rs2140245158, ClinGen allele CA390469385.
Genomic context (GRCh38, chr14:75,971,128, plus strand): 5'-TGGAGGACTAAGGGACCTGAGGTTCATTCTGAAATGCTTATCTGAAGGGTCCACCTACCT[C>G]TTCTCAACAGCCACTCACGCACAGTGTCAGTGACATCAAAGGACAGCCACTCGGCAGTGC-3'
Protein context (NP_003230.1, residues 205-225): TDTVREWLLR[Arg215Thr]ESNLGLEISI